The following is an entry in ClinVar:

NM_000553.6(WRN):c.2950T>A (p.Leu984Ile)

Gene: WRN (WRN RecQ like helicase; plus strand). Cytogenetic location: 8p12.
Variant type: single nucleotide variant.
Coding change: c.2950T>A on transcript NM_000553.6 (MANE Select); coding-DNA position 2950, T replaced by A.
Protein change: p.Leu984Ile; replaces leucine 984 with isoleucine.
Molecular consequence: missense variant.
Genome position (GRCh38, 1-based): chr8:31,132,489, T>A. VCF-style: chr8-31132489-T-A. GRCh37 (hg19) VCF-style: chr8-30990005-T-A.
Other names: short protein forms L984I.
Identifiers: ClinVar variation 135425 (VCV000135425.17), dbSNP rs146443310, ClinGen allele CA162725.
Genomic context (GRCh38, chr8:31,132,489, plus strand): 5'-TTTAAGCTTTTGTCTGCTGTGGACATCTTAGGCGAAAAATTTGGAATTGGGCTTCCAATT[T>A]TATTTCTCCGAGGATCTGTAAGTATATATCTGTGAATTCCCTTCATAGATCTTCTTTTAC-3'
Protein context (NP_000544.2, residues 974-994): GEKFGIGLPI[Leu984Ile]FLRGSNSQRL

ClinVar aggregate classification (germline): Benign. Review status: criteria provided, multiple submitters, no conflicts (2 of 4 stars). 6 submissions from 5 submitters: Benign (5). 1 of the submissions does not count toward it. Last evaluated 2026-01-31.

Conditions:
Wiskott-Aldrich syndrome (WAS). Also called: ALDRICH SYNDROME; IMMUNODEFICIENCY 2; Wiskott-aldrich syndrome, somatic; WISKOTT-ALDRICH SYNDROME 1. Identifiers: Orphanet 906, MedGen C0043194, MONDO:0010518, OMIM 301000.
Werner syndrome (WRN). Identifiers: Orphanet 902, MedGen C0043119, MONDO:0010196, OMIM 277700.

Allele frequency attached by ClinVar (database versions not stated): 1000 Genomes Project 0.00120; 1000 Genomes Project 30x 0.00125; gnomAD exomes 0.00041; ExAC 0.00057; gnomAD 0.00127 and 0.00134; TOPMed 0.00141; ESP Exome Variant Server 0.00154.
gnomAD v4.1: 396 of 1,614,152 alleles (0.025%); highest among the groups gnomAD compares: African/African-American, 0.48%; 2 homozygotes.

Submissions (6):

Labcorp Genetics (formerly Invitae), Labcorp
Classification: Benign for Werner syndrome. Last evaluated: 2026-01-31. Review status: criteria provided, single submitter. Criteria: Invitae Variant Classification Sherloc (09022015). Collection method: clinical testing. Allele origin: germline.

KCCC/NGS Laboratory, Kuwait Cancer Control Center
Classification: Benign for Werner syndrome. Last evaluated: 2025-02-01. Review status: criteria provided, single submitter. Criteria: ACMG Guidelines, 2015. Collection method: clinical testing. Allele origin: germline. Affected: no.

KCCC/NGS Laboratory, Kuwait Cancer Control Center
Classification: Benign for Wiskott-Aldrich syndrome. Last evaluated: 2023-07-07. Review status: criteria provided, single submitter. Criteria: ACMG Guidelines, 2015. Collection method: clinical testing. Allele origin: germline. Affected: yes.

Genome-Nilou Lab
Classification: Benign for Werner syndrome. Last evaluated: 2021-12-05. Review status: criteria provided, single submitter. Criteria: ACMG Guidelines, 2015. Collection method: clinical testing. Allele origin: germline. Affected: no.

Eurofins Ntd Llc (ga)
Classification: Benign. Last evaluated: 2015-04-10. Review status: criteria provided, single submitter. Criteria: EGL Classification Definitions 2015. Collection method: clinical testing. Allele origin: germline. Observed: 1 variant allele, 1 heterozygote.

ITMI
No classification provided. Condition: AllHighlyPenetrant. Last evaluated: 2013-09-19. Review status: no classification provided. Collection method: reference population. Allele origin: germline. Not counted in ClinVar's aggregate classification.
Comment: Please see associated publication for description of ethnicities

Literature cited by the submitters: PubMed 24728327 (cited by ITMI).